The following is an entry in ClinVar:

ClinVar aggregate classification (germline): Uncertain significance (1 of 4 stars; one submission).

Conditions:
Lymphedema-posterior choanal atresia syndrome. Identifiers: Orphanet 99141, MedGen C3150875, MONDO:0013324, OMIM 613611.

Submission:

Clinical Genomics Laboratory, Washington University in St. Louis
Classification: Uncertain significance for Lymphedema-posterior choanal atresia syndrome. Last evaluated: 2025-02-13. Review status: criteria provided, single submitter. Criteria: ACMG Guidelines, 2015. Collection method: clinical testing. Allele origin: germline.
Comment: A PTPN14 c.511-3T>C variant was identified at a heterozygous allelic fraction of 54.1%, a frequency that may be consistent with germline origin. This variant, to our knowledge, has not been reported in the medical literature. It is only observed on 75/1,613,792 alleles in the general population (gnomAD v.4.1.0), indicating it is not a common variant. Computational predictors suggest that the variant has no impact on splicing, which is evidence that this variant does not have a damaging effect on PTPN14 function. Due to limited information, and based on ACMG/AMP guidelines for variant interpretation (Richards S et al., PMID: 25741868), the clinical significance of the PTPN14 c.511-3T>C variant is uncertain at this time.

NM_005401.5(PTPN14):c.511-3T>C

Gene: PTPN14 (protein tyrosine phosphatase non-receptor type 14; minus strand). Cytogenetic location: 1q41.
Variant type: single nucleotide variant.
Coding change: c.511-3T>C on transcript NM_005401.5 (MANE Select); 3 bases into the intron before coding-DNA position 511, T replaced by C.
Molecular consequence: intron variant.
Genome position (GRCh38, 1-based): chr1:214,402,956, A>G on the plus strand (T>C on the coding strand, the complement: PTPN14 is on the minus strand). VCF-style: chr1-214402956-A-G. GRCh37 (hg19) VCF-style: chr1-214576299-A-G.
Identifiers: ClinVar variation 4279924 (VCV004279924.1).
Genomic context (GRCh38, chr1:214,402,956, plus strand): 5'-GTTCTTGGGCTACCTTCTGGGTCAGCTCCTCCAGAACAGCCTCTTCCAGGGCCAAATCCT[A>G]TAAGAATAGAAAGTGCTTAAGGTCACATGAGGGTGTGGGCATTTGCTATTTTGCTTGCAA-3'